The following is an entry in ClinVar:

NM_001077446.4(TSEN34):c.508G>A (p.Gly170Arg)

Gene: TSEN34 (tRNA splicing endonuclease subunit 34; plus strand). Cytogenetic location: 19q13.42.
Variant type: single nucleotide variant.
Coding change: c.508G>A on transcript NM_001077446.4 (MANE Select); coding-DNA position 508, G replaced by A.
Protein change: p.Gly170Arg; replaces glycine 170 with arginine.
Molecular consequence: missense variant.
Genome position (GRCh38, 1-based): chr19:54,192,136, G>A. VCF-style: chr19-54192136-G-A. GRCh37 (hg19) VCF-style: chr19-54695987-G-A.
Other names: c.508G>A, p.Gly170Arg (NM_001282332.2, NM_001282333.2, NM_001386740.1 and 1 more transcripts); short protein forms G170R.
Identifiers: ClinVar variation 1910538 (VCV001910538.5), dbSNP rs2515417004, ClinGen allele CA407763464.
Genomic context (GRCh38, chr19:54,192,136, plus strand): 5'-CCCTTGAATTTACCAAACTCTTCTCTGTACTCCCCACCAGGCCCCTCGTCTTCCCAAGCA[G>A]GACCCTCAAATGGGGTAGCCCCCTTGCCCAGATCTGCTCTCCTTGTCCAGCTGGCCACTG-3'
Protein context (NP_001070914.1, residues 160-180): EEAGPSSSQA[Gly170Arg]PSNGVAPLPR

ClinVar aggregate classification (germline): Uncertain significance (1 of 4 stars; one submission).

Allele frequency attached by ClinVar (database versions not stated): gnomAD exomes below 0.00001.
gnomAD v4.1: 3 of 1,614,208 alleles (0.00019%); highest among the groups gnomAD compares: African/African-American, 0.0013%; no homozygotes.

Submission:

Labcorp Genetics (formerly Invitae), Labcorp
Classification: Uncertain significance. Last evaluated: 2022-02-25. Review status: criteria provided, single submitter. Criteria: Invitae Variant Classification Sherloc (09022015). Collection method: clinical testing. Allele origin: germline.
Comment: In summary, the available evidence is currently insufficient to determine the role of this variant in disease. Therefore, it has been classified as a Variant of Uncertain Significance. Algorithms developed to predict the effect of missense changes on protein structure and function are either unavailable or do not agree on the potential impact of this missense change (SIFT: "Not Available"; PolyPhen-2: "Benign"; Align-GVGD: "Not Available"). This sequence change replaces glycine, which is neutral and non-polar, with arginine, which is basic and polar, at codon 170 of the TSEN34 protein (p.Gly170Arg). This variant is not present in population databases (gnomAD no frequency). This variant has not been reported in the literature in individuals affected with TSEN34-related conditions.